The following is an entry in ClinVar:

NM_001267550.2(TTN):c.69257del (p.Leu23086fs)

Genes: TTN (titin; minus strand), TTN-AS1 (TTN antisense RNA 1; plus strand). Cytogenetic location: 2q31.2.
Variant type: Deletion.
Coding change: c.69257del on transcript NM_001267550.2 (MANE Select); coding-DNA position 69257, one base deleted (T; older notation c.69257delT).
Protein change: p.Leu23086fs; shifts the reading frame from leucine 23086.
Molecular consequence: frameshift variant.
Genome position (GRCh38, 1-based): chr2:178,577,078, A deleted on the plus strand (T on the coding strand, the reverse complement: TTN is on the minus strand); the first of 4 consecutive A bases (chr2:178,577,078-178,577,081); deleting any one gives the same sequence. VCF-style (leftmost placement, unchanged base first): chr2-178577077-CA-C. GRCh37 (hg19) VCF-style: chr2-179441804-CA-C.
Other names: c.64334del, p.Leu21445fs (NM_001256850.1); c.42062del, p.Leu14021fs (NM_003319.4); c.61553del, p.Leu20518fs (NM_133378.4); c.42437del, p.Leu14146fs (NM_133432.3); c.42638del, p.Leu14213fs (NM_133437.4); short protein forms L14021fs, L20518fs, L21445fs, L14146fs, L23086fs, L14213fs.
Identifiers: ClinVar variation 2954089 (VCV002954089.3), dbSNP rs1553616622, ClinGen allele CA2740096037.

ClinVar aggregate classification (germline): Likely pathogenic (1 of 4 stars; one submission).

Conditions:
Autosomal recessive limb-girdle muscular dystrophy type 2J (LGMDR10). Also called: Limb-girdle muscular dystrophy, type 2J; MUSCULAR DYSTROPHY, LIMB-GIRDLE, AUTOSOMAL RECESSIVE 10. Identifiers: Orphanet 140922, MedGen C1837342, MONDO:0012127, OMIM 608807.
Dilated cardiomyopathy 1G (CMD1G). Identifiers: Orphanet 154, MedGen C1858763, MONDO:0011400, OMIM 604145.

Submission:

Labcorp Genetics (formerly Invitae), Labcorp
Classification: Likely pathogenic for Dilated cardiomyopathy 1G; Autosomal recessive limb-girdle muscular dystrophy type 2J. Last evaluated: 2023-11-21. Review status: criteria provided, single submitter. Criteria: Invitae Variant Classification Sherloc (09022015). Collection method: clinical testing. Allele origin: germline.
Comment: This sequence change creates a premature translational stop signal (p.Leu23086Cysfs*32) in the TTN gene. While this is not anticipated to result in nonsense mediated decay, it is expected to create a truncated TTN protein. This variant is not present in population databases (gnomAD no frequency). This variant has not been reported in the literature in individuals affected with TTN-related conditions. This variant is located in the A band of TTN (PMID: 25589632). Truncating variants in this region are significantly overrepresented in patients affected with dilated cardiomyopathy (PMID: 25589632). Truncating variants in this region have also been reported in individuals affected with autosomal recessive centronuclear myopathy (PMID: 23975875). In summary, the currently available evidence indicates that the variant is pathogenic, but additional data are needed to prove that conclusively. Therefore, this variant has been classified as Likely Pathogenic.

Literature cited by the submitters: PubMed 25589632; PubMed 23975875.